The following is an entry in ClinVar:

ClinVar aggregate classification (germline): Uncertain significance (1 of 4 stars; one submission).

Conditions:
Inborn genetic diseases. Identifiers: MedGen C0950123, MeSH D030342.

Submission:

Ambry Genetics
Classification: Uncertain significance for Inborn genetic diseases. Last evaluated: 2025-06-21. Review status: criteria provided, single submitter. Criteria: Ambry Variant Classification Scheme 2023. Collection method: clinical testing. Allele origin: germline.
Comment: The p.H143Y variant (also known as c.427C>T), located in coding exon 5 of the BUB1B gene, results from a C to T substitution at nucleotide position 427. The histidine at codon 143 is replaced by tyrosine, an amino acid with similar properties. This amino acid position is conserved. In addition, this alteration is predicted to be tolerated by in silico analysis. Since supporting evidence is limited at this time, the clinical significance of this alteration remains unclear.

NM_001211.6(BUB1B):c.427C>T (p.His143Tyr)

Gene: BUB1B (BUB1 mitotic checkpoint serine/threonine kinase B; plus strand). Cytogenetic location: 15q15.1.
Variant type: single nucleotide variant.
Coding change: c.427C>T on transcript NM_001211.6 (MANE Select); coding-DNA position 427, C replaced by T.
Protein change: p.His143Tyr; replaces histidine 143 with tyrosine.
Molecular consequence: missense variant.
Genome position (GRCh38, 1-based): chr15:40,176,519, C>T. VCF-style: chr15-40176519-C-T. GRCh37 (hg19) VCF-style: chr15-40468720-C-T.
Other names: short protein forms H143Y.
Identifiers: ClinVar variation 1739328 (VCV001739328.3), dbSNP rs2542523986, ClinGen allele CA391681135.